The following is an entry in ClinVar:

NM_004281.4(BAG3):c.508-1G>A

Gene: BAG3 (BAG cochaperone 3; plus strand). Cytogenetic location: 10q26.11.
Variant type: single nucleotide variant.
Coding change: c.508-1G>A on transcript NM_004281.4 (MANE Select); the canonical splice acceptor site of the intron before coding-DNA position 508, G replaced by A.
Molecular consequence: splice acceptor variant.
Genome position (GRCh38, 1-based): chr10:119,672,254, G>A. VCF-style: chr10-119672254-G-A. GRCh37 (hg19) VCF-style: chr10-121431766-G-A.
Identifiers: ClinVar variation 2033991 (VCV002033991.4), dbSNP rs2494013310, ClinGen allele CA378295237.

ClinVar aggregate classification (germline): Likely pathogenic (1 of 4 stars; one submission).

Conditions:
Dilated cardiomyopathy 1HH (CMD1HH). Identifiers: Orphanet 154, MedGen C3151293, MONDO:0013479, OMIM 613881.
Myofibrillar myopathy 6. Identifiers: Orphanet 199340, MedGen C2751831, MONDO:0013061, OMIM 612954.

Submission:

Labcorp Genetics (formerly Invitae), Labcorp
Classification: Likely pathogenic for Dilated cardiomyopathy 1HH; Myofibrillar myopathy 6. Last evaluated: 2022-10-04. Review status: criteria provided, single submitter. Criteria: Invitae Variant Classification Sherloc (09022015). Collection method: clinical testing. Allele origin: germline.
Comment: This sequence change affects an acceptor splice site in intron 2 of the BAG3 gene. It is expected to disrupt RNA splicing. Variants that disrupt the donor or acceptor splice site typically lead to a loss of protein function (PMID: 16199547), and loss-of-function variants in BAG3 are known to be pathogenic (PMID: 21353195, 25008357). This variant is not present in population databases (gnomAD no frequency). In summary, the currently available evidence indicates that the variant is pathogenic, but additional data are needed to prove that conclusively. Therefore, this variant has been classified as Likely Pathogenic. Algorithms developed to predict the effect of sequence changes on RNA splicing suggest that this variant may disrupt the consensus splice site. This variant has not been reported in the literature in individuals affected with BAG3-related conditions.

Literature cited by the submitters: PubMed 16199547; PubMed 21353195; PubMed 25008357.